The following is an entry in ClinVar:

NM_025137.4(SPG11):c.2206A>G (p.Asn736Asp)

Gene: SPG11 (SPG11 vesicle trafficking associated, spatacsin; minus strand). Cytogenetic location: 15q21.1.
Variant type: single nucleotide variant.
Coding change: c.2206A>G on transcript NM_025137.4 (MANE Select); coding-DNA position 2206, A replaced by G.
Protein change: p.Asn736Asp; replaces asparagine 736 with aspartic acid.
Molecular consequence: missense variant.
Genome position (GRCh38, 1-based): chr15:44,626,369, T>C on the plus strand (A>G on the coding strand, the complement: SPG11 is on the minus strand). VCF-style: chr15-44626369-T-C. GRCh37 (hg19) VCF-style: chr15-44918567-T-C.
Other names: c.2206A>G, p.Asn736Asp (NM_001160227.2); short protein forms N736D.
Identifiers: ClinVar variation 1435861 (VCV001435861.8), dbSNP rs775711520, ClinGen allele CA7535327.

ClinVar aggregate classification (germline): Uncertain significance (1 of 4 stars; one submission).

Conditions:
Hereditary spastic paraplegia 11. Also called: Spastic Paraplegia 11; Spastic paraplegia, mental retardation and thin corpus callosum; SPASTIC PARAPLEGIA, AUTOSOMAL RECESSIVE, COMPLICATED, WITH THIN CORPUS CALLOSUM; SPASTIC PARAPLEGIA, AUTOSOMAL RECESSIVE, WITH MENTAL IMPAIRMENT AND THIN CORPUS CALLOSUM; Nakamura Osame syndrome; Autosomal recessive hereditary spastic paraplegia, mental impairment, and thin corpus callosum. Identifiers: Orphanet 2822, MedGen C1858479, MONDO:0011445, OMIM 604360.

Allele frequency attached by ClinVar (database versions not stated): ExAC 0.00001; gnomAD exomes 0.00001.
gnomAD v4.1: 3 of 1,613,462 alleles (0.00019%); highest among the groups gnomAD compares: South Asian, 0.0033%; no homozygotes.

Submission:

Labcorp Genetics (formerly Invitae), Labcorp
Classification: Uncertain significance for Hereditary spastic paraplegia 11. Last evaluated: 2021-07-01. Review status: criteria provided, single submitter. Criteria: Invitae Variant Classification Sherloc (09022015). Collection method: clinical testing. Allele origin: germline.
Comment: This variant is present in population databases (rs775711520, ExAC 0.006%). This sequence change replaces asparagine with aspartic acid at codon 736 of the SPG11 protein (p.Asn736Asp). The asparagine residue is moderately conserved and there is a small physicochemical difference between asparagine and aspartic acid. This variant has not been reported in the literature in individuals affected with SPG11-related conditions. Algorithms developed to predict the effect of missense changes on protein structure and function are either unavailable or do not agree on the potential impact of this missense change (SIFT: "Tolerated"; PolyPhen-2: "Possibly Damaging"; Align-GVGD: "Class C0"). In summary, the available evidence is currently insufficient to determine the role of this variant in disease. Therefore, it has been classified as a Variant of Uncertain Significance.